The following is an entry in ClinVar:

NM_017672.6(TRPM7):c.4926G>A (p.Gly1642=)

Gene: TRPM7 (transient receptor potential cation channel subfamily M member 7; minus strand). Cytogenetic location: 15q21.2.
Variant type: single nucleotide variant.
Coding change: c.4926G>A on transcript NM_017672.6 (MANE Select); coding-DNA position 4926, G replaced by A.
Protein change: p.Gly1642=; no amino-acid change (glycine 1642 retained).
Molecular consequence: synonymous variant. On other transcripts: non-coding transcript variant (3).
Genome position (GRCh38, 1-based): chr15:50,574,945, C>T on the plus strand (G>A on the coding strand, the complement: TRPM7 is on the minus strand). VCF-style: chr15-50574945-C-T. GRCh37 (hg19) VCF-style: chr15-50867142-C-T.
Other names: c.4923G>A, p.Gly1641= (NM_001301212.2).
Identifiers: ClinVar variation 3056472 (VCV003056472.2), dbSNP rs16963774, ClinGen allele CA7556749.

ClinVar aggregate classification (germline): Benign (0 of 4 stars; one submission).

Conditions:
TRPM7-related disorder. Also called: TRPM7-related condition.

Allele frequency attached by ClinVar (database versions not stated): ExAC 0.05086; gnomAD 0.08055; 1000 Genomes Project 0.08526; TOPMed 0.08716; 1000 Genomes Project 30x 0.08979; ESP Exome Variant Server 0.09095.
gnomAD v4.1: 76,304 of 1,613,802 alleles (4.7%); highest among the groups gnomAD compares: African/African-American, 19%; 2,847 homozygotes.

Submission:

PreventionGenetics, part of Exact Sciences
Classification: Benign for TRPM7-related condition. Last evaluated: 2023-12-11. Review status: no assertion criteria provided. Collection method: clinical testing. Allele origin: germline.
Comment: This variant is classified as benign based on ACMG/AMP sequence variant interpretation guidelines (Richards et al. 2015 PMID: 25741868, with internal and published modifications).